The following is an entry in ClinVar:

NM_006939.4(SOS2):c.324C>A (p.Asp108Glu)

Gene: SOS2 (SOS Ras/Rho guanine nucleotide exchange factor 2; minus strand). Cytogenetic location: 14q21.3.
Variant type: single nucleotide variant.
Coding change: c.324C>A on transcript NM_006939.4 (MANE Select); coding-DNA position 324, C replaced by A.
Protein change: p.Asp108Glu; replaces aspartic acid 108 with glutamic acid.
Molecular consequence: missense variant.
Genome position (GRCh38, 1-based): chr14:50,200,974, G>T on the plus strand (C>A on the coding strand, the complement: SOS2 is on the minus strand). VCF-style: chr14-50200974-G-T. GRCh37 (hg19) VCF-style: chr14-50667692-G-T.
Other names: c.324C>A (NM_006939.2); c.324C>A, p.Asp108Glu (NM_001411020.1); short protein forms D108E.
Identifiers: ClinVar variation 2201174 (VCV002201174.5), dbSNP rs754449669, ClinGen allele CA7177563.

ClinVar aggregate classification (germline): Conflicting classifications of pathogenicity. Review status: criteria provided, conflicting classifications (1 of 4 stars). 2 submissions from 2 submitters: Uncertain significance (1); Likely benign (1). Last evaluated 2026-01-10.

Conditions:
Noonan syndrome 9 (NS9). Identifiers: Orphanet 648, MedGen C4225282, MONDO:0014691, OMIM 616559.
Cardiovascular phenotype. Identifiers: MedGen CN230736.

Allele frequency attached by ClinVar (database versions not stated): TOPMed below 0.00001; ExAC 0.00001; gnomAD 0.00001.
gnomAD v4.1: 6 of 1,613,760 alleles (0.00037%); highest among the groups gnomAD compares: Non-Finnish European, 0.00042%; no homozygotes.

Submissions (2):

Ambry Genetics
Classification: Uncertain significance for Cardiovascular phenotype. Last evaluated: 2026-01-10. Review status: criteria provided, single submitter. Criteria: Ambry Variant Classification Scheme 2023. Collection method: clinical testing. Allele origin: germline.
Comment: The p.D108E variant (also known as c.324C>A), located in coding exon 3 of the SOS2 gene, results from a C to A substitution at nucleotide position 324. The aspartic acid at codon 108 is replaced by glutamic acid, an amino acid with highly similar properties. This amino acid position is conserved. In addition, this alteration is predicted to be tolerated by in silico analysis. Based on the available evidence, the clinical significance of this variant remains unclear.

Labcorp Genetics (formerly Invitae), Labcorp
Classification: Likely benign for Noonan syndrome 9. Last evaluated: 2025-11-25. Review status: criteria provided, single submitter. Criteria: Invitae Variant Classification Sherloc (09022015). Collection method: clinical testing. Allele origin: germline.